The following is an entry in ClinVar:

ClinVar aggregate classification (germline): Likely benign (1 of 4 stars; one submission).

Conditions:
ZNF148-related disorder. Also called: ZNF148-related condition.

gnomAD v4.1: 26 of 1,609,362 alleles (0.0016%); highest among the groups gnomAD compares: Middle Eastern, 0.12%; no homozygotes.

Submission:

PreventionGenetics, part of Exact Sciences
Classification: Likely benign for ZNF148-related condition. Last evaluated: 2025-08-21. Review status: criteria provided, single submitter. Criteria: ACMG Guidelines, 2015. Collection method: clinical testing. Allele origin: germline.
Comment: This variant is classified as likely benign based on ACMG/AMP sequence variant interpretation guidelines (Richards et al. 2015 PMID: 25741868, with internal and published modifications).

NM_021964.3(ZNF148):c.600A>G (p.Gln200=)

Gene: ZNF148 (zinc finger protein 148; minus strand). Cytogenetic location: 3q21.2.
Variant type: single nucleotide variant.
Coding change: c.600A>G on transcript NM_021964.3 (MANE Select); coding-DNA position 600, A replaced by G.
Protein change: p.Gln200=; no amino-acid change (glutamine 200 retained).
Molecular consequence: synonymous variant.
Genome position (GRCh38, 1-based): chr3:125,277,793, T>C on the plus strand (A>G on the coding strand, the complement: ZNF148 is on the minus strand). VCF-style: chr3-125277793-T-C. GRCh37 (hg19) VCF-style: chr3-124996637-T-C.
Other names: c.600A>G, p.Gln200= (NM_001348424.1, NM_001348425.2, NM_001348426.2 and 8 more transcripts); c.474A>G, p.Gln158= (NM_001348434.2).
Identifiers: ClinVar variation 4982139 (VCV004982139.1).